The following is an entry in ClinVar:

ClinVar aggregate classification (germline): Pathogenic. Review status: criteria provided, multiple submitters, no conflicts (2 of 4 stars). 2 submissions from 2 submitters: Pathogenic (2). Last evaluated 2026-07-30.

Conditions:
Neurofibromatosis, type 1 (NF1). Also called: VON RECKLINGHAUSEN DISEASE; Peripheral type neurofibromatosis; NEUROFIBROMATOSIS, TYPE I, SOMATIC; Neurofibromatosis, type I. Identifiers: Orphanet 636, MedGen C0027831, MONDO:0018975, OMIM 162200. Disease mechanism: loss of function.
Hereditary cancer-predisposing syndrome. Also called: Hereditary Cancer Syndrome; Hereditary neoplastic syndrome; Neoplastic Syndromes, Hereditary; Tumor predisposition. Identifiers: Orphanet 140162, MedGen C0027672, MeSH D009386, MONDO:0015356.
Cardiovascular phenotype. Identifiers: MedGen CN230736.

Submissions (2):

Ambry Genetics
Classification: Pathogenic for Cardiovascular phenotype; Hereditary cancer-predisposing syndrome. Last evaluated: 2026-07-30. Review status: criteria provided, single submitter. Criteria: Ambry Variant Classification Scheme 2023. Collection method: clinical testing. Allele origin: germline.
Comment: The c.3897dupA pathogenic mutation, located in coding exon 29 of the NF1 gene, results from a duplication of A at nucleotide position 3897, causing a translational frameshift with a predicted alternate stop codon (p.L1300Tfs*14). This variant is considered to be rare based on population cohorts in the Genome Aggregation Database (gnomAD). This alteration is expected to result in loss of function by premature protein truncation or nonsense-mediated mRNA decay. As such, this alteration is interpreted as a disease-causing mutation.

Labcorp Genetics (formerly Invitae), Labcorp
Classification: Pathogenic for Neurofibromatosis, type 1. Last evaluated: 2022-12-15. Review status: criteria provided, single submitter. Criteria: Invitae Variant Classification Sherloc (09022015). Collection method: clinical testing. Allele origin: germline.
Comment: For these reasons, this variant has been classified as Pathogenic. This variant has not been reported in the literature in individuals affected with NF1-related conditions. This variant is not present in population databases (gnomAD no frequency). This sequence change creates a premature translational stop signal (p.Leu1300Thrfs*14) in the NF1 gene. It is expected to result in an absent or disrupted protein product. Loss-of-function variants in NF1 are known to be pathogenic (PMID: 10712197, 23913538).

Literature cited by the submitters: PubMed 10712197 (cited by Labcorp Genetics (formerly Invitae), Labcorp); PubMed 23913538 (cited by Labcorp Genetics (formerly Invitae), Labcorp).

NM_001042492.3(NF1):c.3897dup (p.Leu1300fs)

Gene: NF1 (neurofibromin 1; plus strand). Cytogenetic location: 17q11.2.
Variant type: Duplication.
Coding change: c.3897dup on transcript NM_001042492.3 (MANE Select); coding-DNA position 3897, one base duplicated (A; older notation c.3897dupA).
Protein change: p.Leu1300fs; shifts the reading frame from leucine 1300.
Molecular consequence: frameshift variant.
Genome position (GRCh38, 1-based): chr17:31,235,944, A duplicated; the last of 5 consecutive A bases (chr17:31,235,940-31,235,944); duplicating any one gives the same sequence. VCF-style (leftmost placement, unchanged base first): chr17-31235939-C-CA. GRCh37 (hg19) VCF-style: chr17-29562957-C-CA.
Other names: c.3897dupA (NM_000267.3); c.3897dup, p.Leu1300Thrfs (NM_000267.4); short protein forms L1300fs.
Identifiers: ClinVar variation 2816508 (VCV002816508.4), dbSNP rs878853890, ClinGen allele CA2739267383.